The following is an entry in ClinVar:

ClinVar aggregate classification (germline): Uncertain significance (1 of 4 stars; one submission).

Allele frequency attached by ClinVar (database versions not stated): TOPMed below 0.00001.
gnomAD v4.1: 1 of 1,614,168 alleles (0.000062%); no homozygotes.

Submission:

Labcorp Genetics (formerly Invitae), Labcorp
Classification: Uncertain significance. Last evaluated: 2023-04-09. Review status: criteria provided, single submitter. Criteria: Invitae Variant Classification Sherloc (09022015). Collection method: clinical testing. Allele origin: germline.
Comment: In summary, the available evidence is currently insufficient to determine the role of this variant in disease. Therefore, it has been classified as a Variant of Uncertain Significance. Variants that disrupt the consensus splice site are a relatively common cause of aberrant splicing (PMID: 17576681, 9536098). Algorithms developed to predict the effect of sequence changes on RNA splicing suggest that this variant is not likely to affect RNA splicing. ClinVar contains an entry for this variant (Variation ID: 1924848). This variant has not been reported in the literature in individuals affected with PPP2R5D-related conditions. This variant is not present in population databases (gnomAD no frequency). This sequence change falls in intron 8 of the PPP2R5D gene. It does not directly change the encoded amino acid sequence of the PPP2R5D protein. It affects a nucleotide within the consensus splice site.

Literature cited by the submitters: PubMed 17576681; PubMed 9536098.

NM_006245.4(PPP2R5D):c.917+6A>G

Gene: PPP2R5D (protein phosphatase 2 regulatory subunit B'delta; plus strand). Cytogenetic location: 6p21.1.
Variant type: single nucleotide variant.
Coding change: c.917+6A>G on transcript NM_006245.4 (MANE Select); 6 bases into the intron after coding-DNA position 917, A replaced by G.
Molecular consequence: intron variant.
Genome position (GRCh38, 1-based): chr6:43,008,266, A>G. VCF-style: chr6-43008266-A-G. GRCh37 (hg19) VCF-style: chr6-42976004-A-G.
Other names: c.464+6A>G (NM_001270476.2); c.821+6A>G (NM_180976.3); c.599+6A>G (NM_180977.3).
Identifiers: ClinVar variation 1924848 (VCV001924848.5), dbSNP rs1762192470, ClinGen allele CA1624305927.
Genomic context (GRCh38, chr6:43,008,266, plus strand): 5'-TCTACGAGACGGAGCATCACAACGGGATTGCTGAGCTCCTGGAGATCCTGGGCAGGTGAG[A>G]GGCCGGGTGGGGGCACAGATGCCTGAAAAAGGTTGGCAGGATTGGTGTACTGAACTTGGA-3'